The following is an entry in ClinVar:

NM_017849.4(TMEM127):c.401T>C (p.Ile134Thr)

Gene: TMEM127 (transmembrane protein 127; minus strand). Cytogenetic location: 2q11.2.
Variant type: single nucleotide variant.
Coding change: c.401T>C on transcript NM_017849.4 (MANE Select); coding-DNA position 401, T replaced by C.
Protein change: p.Ile134Thr; replaces isoleucine 134 with threonine.
Molecular consequence: missense variant.
Genome position (GRCh38, 1-based): chr2:96,254,841, A>G on the plus strand (T>C on the coding strand, the complement: TMEM127 is on the minus strand). VCF-style: chr2-96254841-A-G. GRCh37 (hg19) VCF-style: chr2-96920579-A-G.
Other names: c.401T>C, p.Ile134Thr (NM_001193304.3); c.149T>C, p.Ile50Thr (NM_001407282.1, NM_001407283.1); short protein forms I134T, I50T.
Identifiers: ClinVar variation 1718339 (VCV001718339.6), dbSNP rs1573970063, ClinGen allele CA347653263.

ClinVar aggregate classification (germline): Uncertain significance. Review status: criteria provided, multiple submitters, no conflicts (2 of 4 stars). 2 submissions from 2 submitters: Uncertain significance (2). Last evaluated 2024-03-20.

Conditions:
Hereditary pheochromocytoma and paraganglioma. Also called: Hereditary paragangliomas and pheochromocytomas; Hereditary Paraganglioma-Pheochromocytoma Syndromes; Hereditary pheochromocytoma-paraganglioma. Identifiers: Orphanet 29072, MedGen C4274332, MONDO:0017366.

Allele frequency attached by ClinVar (database versions not stated): gnomAD exomes below 0.00001.
gnomAD v4.1: 1 of 1,614,100 alleles (0.000062%); highest among the groups gnomAD compares: Non-Finnish European, 0.000085%; no homozygotes.

Submissions (2):

Blueprint Genetics
Classification: Uncertain significance. Last evaluated: 2024-03-20. Review status: criteria provided, single submitter. Criteria: ACMG Guidelines, 2015. Collection method: clinical testing. Allele origin: germline.

Labcorp Genetics (formerly Invitae), Labcorp
Classification: Uncertain significance for Hereditary pheochromocytoma and paraganglioma. Last evaluated: 2022-07-19. Review status: criteria provided, single submitter. Criteria: Invitae Variant Classification Sherloc (09022015). Collection method: clinical testing. Allele origin: germline.
Comment: In summary, the available evidence is currently insufficient to determine the role of this variant in disease. Therefore, it has been classified as a Variant of Uncertain Significance. Algorithms developed to predict the effect of missense changes on protein structure and function are either unavailable or do not agree on the potential impact of this missense change (SIFT: "Deleterious"; PolyPhen-2: "Benign"; Align-GVGD: "Class C65"). This variant has not been reported in the literature in individuals affected with TMEM127-related conditions. This variant is not present in population databases (gnomAD no frequency). This sequence change replaces isoleucine, which is neutral and non-polar, with threonine, which is neutral and polar, at codon 134 of the TMEM127 protein (p.Ile134Thr).